The following is an entry in ClinVar:

NM_005045.4(RELN):c.4507A>T (p.Ile1503Phe)

Gene: RELN (reelin; minus strand). Cytogenetic location: 7q22.1.
Variant type: single nucleotide variant.
Coding change: c.4507A>T on transcript NM_005045.4 (MANE Select); coding-DNA position 4507, A replaced by T.
Protein change: p.Ile1503Phe; replaces isoleucine 1503 with phenylalanine.
Molecular consequence: missense variant.
Genome position (GRCh38, 1-based): chr7:103,574,096, T>A on the plus strand (A>T on the coding strand, the complement: RELN is on the minus strand). VCF-style: chr7-103574096-T-A. GRCh37 (hg19) VCF-style: chr7-103214543-T-A.
Other names: c.4507A>T, p.Ile1503Phe (NM_173054.3); short protein forms I1503F.
Identifiers: ClinVar variation 1045194 (VCV001045194.8), dbSNP rs779797168, ClinGen allele CA4421505.

ClinVar aggregate classification (germline): Uncertain significance (1 of 4 stars; one submission).

Conditions:
Norman-Roberts syndrome (LIS2). Also called: Lissencephaly 2 (Norman-Roberts type). Identifiers: Orphanet 89844, MedGen C0796089, MONDO:0009760, OMIM 257320.
Familial temporal lobe epilepsy 7. Identifiers: Orphanet 101046, MedGen C4225327, MONDO:0014639, OMIM 616436.

gnomAD v4.1: 7 of 1,611,804 alleles (0.00043%); highest among the groups gnomAD compares: South Asian, 0.0077%; no homozygotes.

Submission:

Labcorp Genetics (formerly Invitae), Labcorp
Classification: Uncertain significance for Familial temporal lobe epilepsy 7; Norman-Roberts syndrome. Last evaluated: 2020-06-21. Review status: criteria provided, single submitter. Criteria: Invitae Variant Classification Sherloc (09022015). Collection method: clinical testing. Allele origin: germline.
Comment: In summary, the available evidence is currently insufficient to determine the role of this variant in disease. Therefore, it has been classified as a Variant of Uncertain Significance. Algorithms developed to predict the effect of missense changes on protein structure and function are either unavailable or do not agree on the potential impact of this missense change (SIFT: "Deleterious"; PolyPhen-2: "Possibly Damaging"; Align-GVGD: "Class C0"). This variant has not been reported in the literature in individuals with RELN-related conditions. This variant is present in population databases (rs779797168, ExAC 0.01%). This sequence change replaces isoleucine with phenylalanine at codon 1503 of the RELN protein (p.Ile1503Phe). The isoleucine residue is moderately conserved and there is a small physicochemical difference between isoleucine and phenylalanine.